The following is an entry in ClinVar:

NM_001145358.2(SIN3A):c.3426G>T (p.Gln1142His)

Gene: SIN3A (SIN3 transcription regulator family member A; minus strand). Cytogenetic location: 15q24.2.
Variant type: single nucleotide variant.
Coding change: c.3426G>T on transcript NM_001145358.2 (MANE Select); coding-DNA position 3426, G replaced by T.
Protein change: p.Gln1142His; replaces glutamine 1142 with histidine.
Molecular consequence: missense variant.
Genome position (GRCh38, 1-based): chr15:75,375,830, C>A on the plus strand (G>T on the coding strand, the complement: SIN3A is on the minus strand). VCF-style: chr15-75375830-C-A. GRCh37 (hg19) VCF-style: chr15-75668171-C-A.
Other names: c.3426G>T, p.Gln1142His (NM_001145357.2, NM_015477.3); short protein forms Q1142H.
Identifiers: ClinVar variation 1517640 (VCV001517640.8), dbSNP rs371714083, ClinGen allele CA7667230.

ClinVar aggregate classification (germline): Uncertain significance (1 of 4 stars; one submission).

Allele frequency attached by ClinVar (database versions not stated): gnomAD 0.00003 and 0.00001; gnomAD exomes 0.00005 and 0.00001; TOPMed 0.00002; ExAC 0.00003.
gnomAD v4.1: 29 of 1,614,170 alleles (0.0018%); highest among the groups gnomAD compares: South Asian, 0.019%; no homozygotes.

Submission:

Labcorp Genetics (formerly Invitae), Labcorp
Classification: Uncertain significance. Last evaluated: 2025-06-27. Review status: criteria provided, single submitter. Criteria: Invitae Variant Classification Sherloc (09022015). Collection method: clinical testing. Allele origin: germline.
Comment: This sequence change replaces glutamine, which is neutral and polar, with histidine, which is basic and polar, at codon 1142 of the SIN3A protein (p.Gln1142His). This variant is present in population databases (rs371714083, gnomAD 0.03%). This variant has not been reported in the literature in individuals affected with SIN3A-related conditions. ClinVar contains an entry for this variant (Variation ID: 1517640). Invitae Evidence Modeling of protein sequence and biophysical properties (such as structural, functional, and spatial information, amino acid conservation, physicochemical variation, residue mobility, and thermodynamic stability) indicates that this missense variant is not expected to disrupt SIN3A protein function with a negative predictive value of 80%. In summary, the available evidence is currently insufficient to determine the role of this variant in disease. Therefore, it has been classified as a Variant of Uncertain Significance.